The following is an entry in ClinVar:

NM_016006.6(ABHD5):c.215T>C (p.Ile72Thr)

Gene: ABHD5 (abhydrolase domain containing 5, lysophosphatidic acid acyltransferase; plus strand). Cytogenetic location: 3p21.33.
Variant type: single nucleotide variant.
Coding change: c.215T>C on transcript NM_016006.6 (MANE Select); coding-DNA position 215, T replaced by C.
Protein change: p.Ile72Thr; replaces isoleucine 72 with threonine.
Molecular consequence: missense variant. On other transcripts: non-coding transcript variant (1).
Genome position (GRCh38, 1-based): chr3:43,702,296, T>C. VCF-style: chr3-43702296-T-C. GRCh37 (hg19) VCF-style: chr3-43743788-T-C.
Other names: p.Ile72Thr; c.215T>C, p.Ile72Thr (NM_001355186.2, NM_001365650.1); c.92T>C, p.Ile31Thr (NM_001365649.1); short protein forms I72T, I31T.
Identifiers: ClinVar variation 724878 (VCV000724878.16), dbSNP rs2302349, ClinGen allele CA2341301.

ClinVar aggregate classification (germline): Conflicting classifications of pathogenicity. Review status: criteria provided, conflicting classifications (1 of 4 stars). 5 submissions from 5 submitters: Uncertain significance (1); Benign (1); Likely benign (2). 1 of the submissions does not count toward it. Last evaluated 2026-01-19.

Conditions:
ABHD5-related disorder. Also called: ABHD5-related condition.
Triglyceride storage disease with ichthyosis (CDS). Also called: ICHTHYOSIFORM ERYTHRODERMA WITH LEUKOCYTE VACUOLATION; TRIGLYCERIDE STORAGE DISEASE WITH IMPAIRED LONG-CHAIN FATTY ACID OXIDATION; Chanarin-Dorfman Syndrome; Dorfman-Chanarin disease. Identifiers: Orphanet 98907, MedGen C0268238, MONDO:0010155, OMIM 275630.

Allele frequency attached by ClinVar (database versions not stated): gnomAD 0.00009 and 0.00021; TOPMed 0.00016; gnomAD exomes 0.00041 and 0.00043; ExAC 0.00048; 1000 Genomes Project 30x 0.00109; 1000 Genomes Project 0.00120.
gnomAD v4.1: 631 of 1,605,982 alleles (0.039%); highest among the groups gnomAD compares: East Asian, 1.4%; 10 homozygotes.

Submissions (5):

Labcorp Genetics (formerly Invitae), Labcorp
Classification: Likely benign. Last evaluated: 2026-01-19. Review status: criteria provided, single submitter. Criteria: Invitae Variant Classification Sherloc (09022015). Collection method: clinical testing. Allele origin: germline.

Mayo Clinic Laboratories, Mayo Clinic
Classification: Likely benign. Last evaluated: 2025-01-27. Review status: criteria provided, single submitter. Criteria: ACMG Guidelines, 2015. Collection method: clinical testing. Allele origin: germline. Observed: 1 variant allele.
Comment: BA1, BP4_moderate

Blueprint Genetics
Classification: Uncertain significance. Last evaluated: 2022-12-30. Review status: criteria provided, single submitter. Criteria: ACMG Guidelines, 2015. Collection method: clinical testing. Allele origin: germline.

Illumina Laboratory Services, Illumina
Classification: Benign for Triglyceride storage disease with ichthyosis. Last evaluated: 2017-10-13. Review status: criteria provided, single submitter. Criteria: ICSL Variant Classification Criteria 13 December 2019. Collection method: clinical testing. Allele origin: germline.
Comment: This variant was observed as part of a predisposition screen in an ostensibly healthy population. A literature search was performed for the gene, cDNA change, and amino acid change (where applicable). Publications were found based on this search. The evidence from the literature, in combination with allele frequency data from public databases where available, was sufficient to rule this variant out of causing disease. Therefore, this variant is classified as benign.

PreventionGenetics, part of Exact Sciences
Classification: Likely benign for ABHD5-related condition. Last evaluated: 2020-01-20. Review status: no assertion criteria provided. Collection method: clinical testing. Allele origin: germline. Not counted in ClinVar's aggregate classification.
Comment: This variant is classified as likely benign based on ACMG/AMP sequence variant interpretation guidelines (Richards et al. 2015 PMID: 25741868, with internal and published modifications).

Literature cited by the submitters: PubMed 20022472 (cited by Mayo Clinic Laboratories, Mayo Clinic and Illumina Laboratory Services, Illumina); PubMed 20520629 (cited by Illumina Laboratory Services, Illumina).